The following is an entry in ClinVar:

NM_000152.5(GAA):c.1694_1697del (p.Leu565fs)

Gene: GAA (alpha glucosidase; plus strand). Cytogenetic location: 17q25.3.
Variant type: Microsatellite.
Coding change: c.1694_1697del on transcript NM_000152.5 (MANE Select); coding-DNA positions 1694 to 1697, 4 bases deleted (TCTC; older notation c.1694_1697delTCTC).
Protein change: p.Leu565fs; shifts the reading frame from leucine 565.
Molecular consequence: frameshift variant.
Genome position (GRCh38, 1-based): chr17:80,112,040-80,112,043, TCTC deleted; deleting any 4 consecutive bases within chr17:80,112,038-80,112,043 gives the same sequence; the c. name uses the placement nearest the transcript's 3' end. VCF-style (leftmost placement, unchanged base first): chr17-80112037-TTCTC-T. GRCh37 (hg19) VCF-style: chr17-78085836-TTCTC-T.
Other names: c.1694_1697del, p.Leu565fs (NM_001079803.3, NM_001079804.3, NM_001406741.1 and 1 more transcripts); short protein forms L565fs.
Identifiers: ClinVar variation 2736679 (VCV002736679.5), dbSNP rs2510378668, ClinGen allele CA658795263.

ClinVar aggregate classification (germline): Pathogenic/Likely pathogenic. Review status: criteria provided, multiple submitters, no conflicts (2 of 4 stars). 3 submissions from 3 submitters: Pathogenic (2); Likely pathogenic (1). Last evaluated 2026-07-01.

Conditions:
Glycogen storage disease, type II (IOPD). Also called: CARDIOMEGALIA GLYCOGENICA DIFFUSA; Glycogen storage disease type 2; Acid maltase deficiency disease; Aglucosidase alfa; Deficiency of alpha-glucosidase; Deficiency of lysosomal alpha-glucosidase. Identifiers: Orphanet 365, MedGen C0017921, MONDO:0009290, OMIM 232300.
GAA-related disorders.

Submissions (3):

Genomenon, Inc
Classification: Pathogenic for Glycogen storage disease, type II. Last evaluated: 2026-07-01. Review status: criteria provided, single submitter. Criteria: Genomenon Sequence Variant Interpretation Standards - Updated. Collection method: curation. Allele origin: germline. Affected: yes.
Comment: GAA p.Leu565ProfsTer12 (c.1694_1697del) is a frameshift variant that is predicted to introduce a premature termination codon and result in a truncated or absent protein product. This variant has been observed in at least one proband with a GAA-related disorder (PMID:34734785;33202836;32849613;22980766;25673129). It is absent or not present at a significant frequency in gnomAD. In conclusion, we classify GAA p.Leu565ProfsTer12 (c.1694_1697del) as a pathogenic variant.

Labcorp Genetics (formerly Invitae), Labcorp
Classification: Pathogenic for Glycogen storage disease, type II. Last evaluated: 2023-02-26. Review status: criteria provided, single submitter. Criteria: Invitae Variant Classification Sherloc (09022015). Collection method: clinical testing. Allele origin: germline.
Comment: This variant is not present in population databases (gnomAD no frequency). For these reasons, this variant has been classified as Pathogenic. This premature translational stop signal has been observed in individual(s) with Pompe disease (PMID: 22704482, 33202836). This sequence change creates a premature translational stop signal (p.Leu565Profs*12) in the GAA gene. It is expected to result in an absent or disrupted protein product. Loss-of-function variants in GAA are known to be pathogenic (PMID: 18425781, 22252923).

Blueprint Genetics
Classification: Likely pathogenic for GAA-related disorders. Last evaluated: 2019-06-28. Review status: criteria provided, single submitter. Criteria: ACMG Guidelines, 2015. Collection method: clinical testing. Allele origin: germline. Affected: yes. Observed: 1 variant allele.

Literature cited by the submitters: PubMed 34734785 (cited by Genomenon, Inc); PubMed 33202836 (cited by Genomenon, Inc and Labcorp Genetics (formerly Invitae), Labcorp); PubMed 32849613 (cited by Genomenon, Inc); PubMed 22980766 (cited by Genomenon, Inc); PubMed 25673129 (cited by Genomenon, Inc); PubMed 22704482 (cited by Labcorp Genetics (formerly Invitae), Labcorp); PubMed 18425781 (cited by Labcorp Genetics (formerly Invitae), Labcorp); PubMed 22252923 (cited by Labcorp Genetics (formerly Invitae), Labcorp).